The following is an entry in ClinVar:

ClinVar aggregate classification (germline): Uncertain significance. Review status: criteria provided, multiple submitters, no conflicts (2 of 4 stars). 2 submissions from 2 submitters: Uncertain significance (2). Last evaluated 2024-02-02.

Submissions (2):

Greenwood Genetic Center Diagnostic Laboratories, Greenwood Genetic Center
Classification: Uncertain significance. Last evaluated: 2024-02-02. Review status: criteria provided, single submitter. Criteria: ACMG Guidelines, 2015. Collection method: clinical testing. Allele origin: germline. Affected: yes.
Comment: PM2, BP4

Blueprint Genetics
Classification: Uncertain significance. Last evaluated: 2020-06-09. Review status: criteria provided, single submitter. Criteria: ACMG Guidelines, 2015. Collection method: clinical testing. Allele origin: germline.

NM_001348716.2(KDM6B):c.2551A>G (p.Thr851Ala)

Gene: KDM6B (lysine demethylase 6B; plus strand). Cytogenetic location: 17p13.1.
Variant type: single nucleotide variant.
Coding change: c.2551A>G on transcript NM_001348716.2 (MANE Select); coding-DNA position 2551, A replaced by G.
Protein change: p.Thr851Ala; replaces threonine 851 with alanine.
Molecular consequence: missense variant.
Genome position (GRCh38, 1-based): chr17:7,848,839, A>G. VCF-style: chr17-7848839-A-G. GRCh37 (hg19) VCF-style: chr17-7752157-A-G.
Other names: c.2551A>G, p.Thr851Ala (NM_001080424.2); short protein forms T851A.
Identifiers: ClinVar variation 3235717 (VCV003235717.2), dbSNP rs77870810, ClinGen allele CA397920559.
Genomic context (GRCh38, chr17:7,848,839, plus strand): 5'-CCCTTGCCCACCACTCAGTATTCCCCTGGCCCCCCATCAGGTGCTACCGCCCTGCCGCCC[A>G]CCTCAGCGGCCCCTAGCGCCCAGGGCTCCCCACAGCCCTCTGCTTCCTCGTCATCTCAGT-3'
Protein context (NP_001335645.1, residues 841-861): PPSGATALPP[Thr851Ala]SAAPSAQGSP